The following is an entry in ClinVar:

NM_006648.4(WNK2):c.4319A>T (p.His1440Leu)

Gene: WNK2 (WNK lysine deficient protein kinase 2; plus strand). Cytogenetic location: 9q22.31.
Variant type: single nucleotide variant.
Coding change: c.4319A>T on transcript NM_006648.4 (MANE Select); coding-DNA position 4319, A replaced by T.
Protein change: p.His1440Leu; replaces histidine 1440 with leucine.
Molecular consequence: missense variant.
Genome position (GRCh38, 1-based): chr9:93,289,073, A>T. VCF-style: chr9-93289073-A-T. GRCh37 (hg19) VCF-style: chr9-96051355-A-T.
Other names: c.4430A>T, p.His1477Leu (NM_001282394.3); short protein forms H1440L, H1477L.
Identifiers: ClinVar variation 2217770 (VCV002217770.3), dbSNP rs1848903785, ClinGen allele CA374069235.

ClinVar aggregate classification (germline): Uncertain significance (1 of 4 stars; one submission).

Allele frequency attached by ClinVar (database versions not stated): gnomAD exomes below 0.00001; gnomAD 0.00001.
gnomAD v4.1: 9 of 1,607,460 alleles (0.00056%); highest among the groups gnomAD compares: Middle Eastern, 0.016%; no homozygotes.

Submission:

Ambry Genetics
Classification: Uncertain significance. Last evaluated: 2025-01-02. Review status: criteria provided, single submitter. Criteria: Ambry Variant Classification Scheme 2023. Collection method: clinical testing. Allele origin: germline.
Comment: The p.H1440L variant (also known as c.4319A>T), located in coding exon 19 of the WNK2 gene, results from an A to T substitution at nucleotide position 4319. The histidine at codon 1440 is replaced by leucine, an amino acid with similar properties. This amino acid position is conserved. In addition, this alteration is predicted to be tolerated by in silico analysis. Based on the available evidence, the clinical significance of this variant remains unclear.